The following is an entry in ClinVar:

NM_000138.5(FBN1):c.947C>T (p.Pro316Leu)

Gene: FBN1 (fibrillin 1; minus strand). Cytogenetic location: 15q21.1.
Variant type: single nucleotide variant.
Coding change: c.947C>T on transcript NM_000138.5 (MANE Select); coding-DNA position 947, C replaced by T.
Protein change: p.Pro316Leu; replaces proline 316 with leucine.
Molecular consequence: missense variant.
Genome position (GRCh38, 1-based): chr15:48,526,171, G>A on the plus strand (C>T on the coding strand, the complement: FBN1 is on the minus strand). VCF-style: chr15-48526171-G-A. GRCh37 (hg19) VCF-style: chr15-48818368-G-A.
Other names: c.947C>T, p.Pro316Leu (NM_001406716.1); short protein forms P316L.
Identifiers: ClinVar variation 3071127 (VCV003071127.1), dbSNP rs754353597, ClinGen allele CA392349851.

ClinVar aggregate classification (germline): Uncertain significance (1 of 4 stars; one submission).

Conditions:
Marfan syndrome (MFS). Also called: MARFAN SYNDROME, TYPE I; Marfan syndrome type 1; Marfan's syndrome; Marfan syndrome, classic; FBN1-Related Marfan Syndrome. Identifiers: Orphanet 284963, Orphanet 558, MedGen C0024796, MONDO:0007947, OMIM 154700.

Submission:

All of Us Research Program, National Institutes of Health
Classification: Uncertain significance for Marfan syndrome. Last evaluated: 2023-05-16. Review status: criteria provided, single submitter. Criteria: ACMG Guidelines, 2015. Collection method: clinical testing. Allele origin: germline. Inheritance: Autosomal dominant inheritance. Observed: 1 variant allele, 1 heterozygote.
Comment: This missense variant replaces proline with leucine at codon 316 of the FBN1 protein. Computational prediction is inconclusive regarding the impact of this variant on protein structure and function (internally defined REVEL score threshold 0.5 < inconclusive < 0.7, PMID: 27666373). To our knowledge, functional studies have not been reported for this variant. This variant has not been reported in individuals affected with FBN1-related disorders in the literature. This variant has not been identified in the general population by the Genome Aggregation Database (gnomAD). The available evidence is insufficient to determine the role of this variant in disease conclusively. Therefore, this variant is classified as a Variant of Uncertain Significance.

This study involves interpretation of variants in research participants for the purpose of population health screening. Participant phenotype was not available at the time of variant classification. Additional details can be found in publication PMID: 35346344, PMCID: PMC8962531